The following is an entry in ClinVar:

NM_006118.4(HAX1):c.520C>A (p.Pro174Thr)

Gene: HAX1 (HCLS1 associated protein X-1; plus strand). Cytogenetic location: 1q21.3.
Variant type: single nucleotide variant.
Coding change: c.520C>A on transcript NM_006118.4 (MANE Select); coding-DNA position 520, C replaced by A.
Protein change: p.Pro174Thr; replaces proline 174 with threonine.
Molecular consequence: missense variant.
Genome position (GRCh38, 1-based): chr1:154,274,965, C>A. VCF-style: chr1-154274965-C-A. GRCh37 (hg19) VCF-style: chr1-154247441-C-A.
Other names: c.376C>A, p.Pro126Thr (NM_001018837.2); short protein forms P174T, P126T.
Identifiers: ClinVar variation 4033834 (VCV004033834.1).

ClinVar aggregate classification (germline): Uncertain significance (1 of 4 stars; one submission).

Conditions:
Inborn genetic diseases. Identifiers: MedGen C0950123, MeSH D030342.

Submission:

Ambry Genetics
Classification: Uncertain significance for Inborn genetic diseases. Last evaluated: 2025-03-28. Review status: criteria provided, single submitter. Criteria: Ambry Variant Classification Scheme 2023. Collection method: clinical testing. Allele origin: germline.
Comment: The p.P174T variant (also known as c.520C>A), located in coding exon 4 of the HAX1 gene, results from a C to A substitution at nucleotide position 520. The proline at codon 174 is replaced by threonine, an amino acid with highly similar properties. This amino acid position is conserved. In addition, the in silico prediction for this alteration is inconclusive. Based on the available evidence, the clinical significance of this variant remains unclear.